The following is an entry in ClinVar:

NM_004531.5(MOCS2):c.33C>A (p.Phe11Leu)

Gene: MOCS2 (molybdenum cofactor synthesis 2; minus strand). Cytogenetic location: 5q11.2.
Variant type: single nucleotide variant.
Coding change: c.33C>A on transcript NM_004531.5 (MANE Select); coding-DNA position 33, C replaced by A.
Protein change: p.Phe11Leu; replaces phenylalanine 11 with leucine.
Molecular consequence: missense variant.
Genome position (GRCh38, 1-based): chr5:53,107,142, G>T on the plus strand (C>A on the coding strand, the complement: MOCS2 is on the minus strand). VCF-style: chr5-53107142-G-T. GRCh37 (hg19) VCF-style: chr5-52402972-G-T.
Other names: c.220C>A, p.Gln74Lys (NM_176806.4); c.33C>A, p.Phe11Leu (NM_183418.1); short protein forms F11L, Q74K.
Identifiers: ClinVar variation 2182405 (VCV002182405.1), dbSNP rs1741071810, ClinGen allele CA359693778.

ClinVar aggregate classification (germline): Uncertain significance (1 of 4 stars; one submission).

Submission:

Labcorp Genetics (formerly Invitae), Labcorp
Classification: Uncertain significance. Last evaluated: 2022-09-28. Review status: criteria provided, single submitter. Criteria: Invitae Variant Classification Sherloc (09022015). Collection method: clinical testing. Allele origin: germline.
Comment: The MOCS2 gene encodes two different proteins, MOCS2A and MOCS2B, which are translated from alternative transcripts that have different open reading frames. This sequence change replaces glutamine, which is neutral and polar, with lysine, which is basic and polar, at codon 74 of the MOCS2A protein (p.Gln74Lys). This sequence change replaces phenylalanine, which is neutral and non-polar, with leucine, which is neutral and non-polar, at codon 11 of the MOCS2B protein (p.Phe11Leu). This variant is not present in population databases (gnomAD no frequency). This variant has not been reported in the literature in individuals affected with MOCS2A-related conditions. Algorithms developed to predict the effect of missense changes on protein structure and function (SIFT, PolyPhen-2, Align-GVGD) all suggest that p.Gln74Lys in MOCS2A is likely to be tolerated. These same algorithms do not agree on the potential impact of p.Phe11Leu in MOCS2B (SIFT: "Tolerated"; PolyPhen-2: "Not Available"; Align-GVGD: "Class C0"). These predictions have not been confirmed by published functional studies and their clinical significance is uncertain. In summary, the available evidence is currently insufficient to determine the role of this variant in disease. Therefore, it has been classified as a Variant of Uncertain Significance.